The following is an entry in ClinVar:

ClinVar aggregate classification (germline): Uncertain significance. Review status: criteria provided, multiple submitters, no conflicts (2 of 4 stars). 2 submissions from 2 submitters: Uncertain significance (2). Last evaluated 2022-08-09.

Allele frequency attached by ClinVar (database versions not stated): ExAC 0.00005; gnomAD 0.00005 and 0.00006; ESP Exome Variant Server 0.00008; gnomAD exomes 0.00008.
gnomAD v4.1: 111 of 1,614,052 alleles (0.0069%); highest among the groups gnomAD compares: Middle Eastern, 0.082%; 1 homozygote.

Submissions (2):

Labcorp Genetics (formerly Invitae), Labcorp
Classification: Uncertain significance. Last evaluated: 2022-08-09. Review status: criteria provided, single submitter. Criteria: Invitae Variant Classification Sherloc (09022015). Collection method: clinical testing. Allele origin: germline.
Comment: This sequence change replaces arginine, which is basic and polar, with glutamine, which is neutral and polar, at codon 251 of the CXCR2 protein (p.Arg251Gln). This variant is present in population databases (rs199561988, gnomAD 0.03%). This variant has not been reported in the literature in individuals affected with CXCR2-related conditions. ClinVar contains an entry for this variant (Variation ID: 1433682). Algorithms developed to predict the effect of missense changes on protein structure and function are either unavailable or do not agree on the potential impact of this missense change (SIFT: "Deleterious"; PolyPhen-2: "Possibly Damaging"; Align-GVGD: "Class C0"). In summary, the available evidence is currently insufficient to determine the role of this variant in disease. Therefore, it has been classified as a Variant of Uncertain Significance.

Ambry Genetics
Classification: Uncertain significance. Last evaluated: 2021-07-09. Review status: criteria provided, single submitter. Criteria: Ambry Variant Classification Scheme 2023. Collection method: clinical testing. Allele origin: germline.

NM_001557.4(CXCR2):c.752G>A (p.Arg251Gln)

Gene: CXCR2 (C-X-C motif chemokine receptor 2; plus strand). Cytogenetic location: 2q35.
Variant type: single nucleotide variant.
Coding change: c.752G>A on transcript NM_001557.4 (MANE Select); coding-DNA position 752, G replaced by A.
Protein change: p.Arg251Gln; replaces arginine 251 with glutamine.
Molecular consequence: missense variant.
Genome position (GRCh38, 1-based): chr2:218,135,553, G>A. VCF-style: chr2-218135553-G-A. GRCh37 (hg19) VCF-style: chr2-219000276-G-A.
Other names: c.752G>A, p.Arg251Gln (NM_001168298.2); c.752G>A (NM_001557.3); short protein forms R251Q.
Identifiers: ClinVar variation 1433682 (VCV001433682.6), dbSNP rs199561988, ClinGen allele CA2101777.
Genomic context (GRCh38, chr2:218,135,553, plus strand): 5'-ACGGATTCACCCTGCGTACGCTGTTTAAGGCCCACATGGGGCAGAAGCACCGGGCCATGC[G>A]GGTCATCTTTGCTGTCGTCCTCATCTTCCTGCTCTGCTGGCTGCCCTACAACCTGGTCCT-3'
Protein context (NP_001548.1, residues 241-261): AHMGQKHRAM[Arg251Gln]VIFAVVLIFL